The following is an entry in ClinVar:

NM_001378477.3(NYX):c.390C>A (p.Ser130Arg)

Gene: NYX (nyctalopin; plus strand). Cytogenetic location: Xp11.4.
Variant type: single nucleotide variant.
Coding change: c.390C>A on transcript NM_001378477.3 (MANE Select); coding-DNA position 390, C replaced by A.
Protein change: p.Ser130Arg; replaces serine 130 with arginine.
Molecular consequence: missense variant.
Genome position (GRCh38, 1-based): chrX:41,473,858, C>A. VCF-style: chrX-41473858-C-A. GRCh37 (hg19) VCF-style: chrX-41333111-C-A.
Other names: c.405C>A (NM_022567.2); c.390C>A, p.Ser130Arg (NM_022567.3); short protein forms S130R.
Identifiers: ClinVar variation 1062528 (VCV001062528.13), dbSNP rs773484241, ClinGen allele CA10389816.

ClinVar aggregate classification (germline): Uncertain significance. Review status: criteria provided, multiple submitters, no conflicts (2 of 4 stars). 4 submissions from 4 submitters: Uncertain significance (4). Last evaluated 2025-06-30.

Conditions:
Inborn genetic diseases. Identifiers: MedGen C0950123, MeSH D030342.
NYX-related disorder. Also called: NYX-related condition.

Allele frequency attached by ClinVar (database versions not stated): gnomAD 0.00004 and 0.00007; TOPMed 0.00008.

Submissions (4):

PreventionGenetics, part of Exact Sciences
Classification: Uncertain significance for NYX-related condition. Last evaluated: 2025-06-30. Review status: criteria provided, single submitter. Criteria: ACMG Guidelines, 2015. Collection method: clinical testing. Allele origin: germline.
Comment: The NYX c.405C>A variant is predicted to result in the amino acid substitution p.Ser135Arg. To our knowledge, this variant has not been reported in the literature. This variant is reported in 0.0026% of alleles in individuals of European (Non-Finnish) descent in gnomAD, which may be too frequent to be a primary cause of disease. Although we suspect this variant may be benign, at this time, the clinical significance of this variant is uncertain due to the absence of conclusive functional and genetic evidence.

Labcorp Genetics (formerly Invitae), Labcorp
Classification: Uncertain significance. Last evaluated: 2025-06-15. Review status: criteria provided, single submitter. Criteria: Invitae Variant Classification Sherloc (09022015). Collection method: clinical testing. Allele origin: germline.
Comment: This sequence change replaces serine, which is neutral and polar, with arginine, which is basic and polar, at codon 135 of the NYX protein (p.Ser135Arg). The frequency data for this variant in the population databases is considered unreliable, as metrics indicate poor data quality at this position in the gnomAD database. This variant has not been reported in the literature in individuals affected with NYX-related conditions. ClinVar contains an entry for this variant (Variation ID: 1062528). Invitae Evidence Modeling of protein sequence and biophysical properties (such as structural, functional, and spatial information, amino acid conservation, physicochemical variation, residue mobility, and thermodynamic stability) indicates that this missense variant is not expected to disrupt NYX protein function with a negative predictive value of 80%. In summary, the available evidence is currently insufficient to determine the role of this variant in disease. Therefore, it has been classified as a Variant of Uncertain Significance.

Blueprint Genetics
Classification: Uncertain significance. Last evaluated: 2024-10-16. Review status: criteria provided, single submitter. Criteria: ACMG Guidelines, 2015. Collection method: clinical testing. Allele origin: germline.

Ambry Genetics
Classification: Uncertain significance for Inborn genetic diseases. Last evaluated: 2024-09-02. Review status: criteria provided, single submitter. Criteria: Ambry Variant Classification Scheme 2023. Collection method: clinical testing. Allele origin: germline.